The following is an entry in ClinVar:

ClinVar aggregate classification (germline): Likely benign. Review status: criteria provided, multiple submitters, no conflicts (2 of 4 stars). 3 submissions from 3 submitters: Likely benign (3). Last evaluated 2025-05-03.

Conditions:
Dilated cardiomyopathy 1G (CMD1G). Identifiers: Orphanet 154, MedGen C1858763, MONDO:0011400, OMIM 604145.
Autosomal recessive limb-girdle muscular dystrophy type 2J (LGMDR10). Also called: MUSCULAR DYSTROPHY, LIMB-GIRDLE, AUTOSOMAL RECESSIVE 10; Limb-girdle muscular dystrophy, type 2J. Identifiers: Orphanet 140922, MedGen C1837342, MONDO:0012127, OMIM 608807.
Cardiovascular phenotype. Identifiers: MedGen CN230736.

Allele frequency attached by ClinVar (database versions not stated): gnomAD exomes below 0.00001; TOPMed below 0.00001; gnomAD 0.00001.
gnomAD v4.1: 6 of 1,612,600 alleles (0.00037%); highest among the groups gnomAD compares: East Asian, 0.011%; no homozygotes.

Submissions (3):

Ambry Genetics
Classification: Likely benign for Cardiovascular phenotype. Last evaluated: 2025-05-03. Review status: criteria provided, single submitter. Criteria: Ambry Variant Classification Scheme 2023. Collection method: clinical testing. Allele origin: germline.

Labcorp Genetics (formerly Invitae), Labcorp
Classification: Likely benign for Dilated cardiomyopathy 1G; Autosomal recessive limb-girdle muscular dystrophy type 2J. Last evaluated: 2024-06-23. Review status: criteria provided, single submitter. Criteria: Invitae Variant Classification Sherloc (09022015). Collection method: clinical testing. Allele origin: germline.

GeneDx
Classification: Likely benign. Last evaluated: 2016-11-10. Review status: criteria provided, single submitter. Criteria: GeneDx Variant Classification (06012015). Collection method: clinical testing. Allele origin: germline. Affected: yes.
Comment: This variant is considered likely benign or benign based on one or more of the following criteria: it is a conservative change, it occurs at a poorly conserved position in the protein, it is predicted to be benign by multiple in silico algorithms, and/or has population frequency not consistent with disease.

NM_001267550.2(TTN):c.56754G>T (p.Gly18918=)

Genes: TTN-AS1 (TTN antisense RNA 1; plus strand), TTN (titin; minus strand). Cytogenetic location: 2q31.2.
Variant type: single nucleotide variant.
Coding change: c.56754G>T on transcript NM_001267550.2 (MANE Select); coding-DNA position 56754, G replaced by T.
Protein change: p.Gly18918=; no amino-acid change (glycine 18918 retained).
Molecular consequence: synonymous variant.
Genome position (GRCh38, 1-based): chr2:178,598,956, C>A on the plus strand (G>T on the coding strand, the complement: TTN is on the minus strand). VCF-style: chr2-178598956-C-A. GRCh37 (hg19) VCF-style: chr2-179463683-C-A.
Other names: c.51831G>T, p.Gly17277= (NM_001256850.1); c.29559G>T, p.Gly9853= (NM_003319.4); c.49050G>T, p.Gly16350= (NM_133378.4); c.29934G>T, p.Gly9978= (NM_133432.3); c.30135G>T, p.Gly10045= (NM_133437.4).
Identifiers: ClinVar variation 390732 (VCV000390732.4), dbSNP rs1057523877, ClinGen allele CA16603892.
Genomic context (GRCh38, chr2:178,598,956, plus strand): 5'-AGGATCTCGGTTAACTCTCTTCCATCTCTTTGAAGTGGTGTCTTTCATTTCCAGCCAGTA[C>A]CCTGTCACAGGAGAGCCTCCATCATATTCTGGCTCTTCCCAGTTGACAGTCATGGAGTTA-3'
Protein context (NP_001254479.2, residues 18908-18928): PEYDGGSPVT[Gly18918=]YWLEMKDTTS